The following is an entry in ClinVar:

NM_005502.4(ABCA1):c.5632C>A (p.Pro1878Thr)

Gene: ABCA1 (ATP binding cassette subfamily A member 1; minus strand). Cytogenetic location: 9q31.1.
Variant type: single nucleotide variant.
Coding change: c.5632C>A on transcript NM_005502.4 (MANE Select); coding-DNA position 5632, C replaced by A.
Protein change: p.Pro1878Thr; replaces proline 1878 with threonine.
Molecular consequence: missense variant.
Genome position (GRCh38, 1-based): chr9:104,793,175, G>T on the plus strand (C>A on the coding strand, the complement: ABCA1 is on the minus strand). VCF-style: chr9-104793175-G-T. GRCh37 (hg19) VCF-style: chr9-107555456-G-T.
Other names: c.5632C>A (NM_005502.3); short protein forms P1878T.
Identifiers: ClinVar variation 1512764 (VCV001512764.7), dbSNP rs774046285, ClinGen allele CA5167790.

ClinVar aggregate classification (germline): Conflicting classifications of pathogenicity. Review status: criteria provided, conflicting classifications (1 of 4 stars). 2 submissions from 2 submitters: Uncertain significance (1); Benign (1). Last evaluated 2024-11-01.

Conditions:
Cardiovascular phenotype. Identifiers: MedGen CN230736.

Allele frequency attached by ClinVar (database versions not stated): ExAC 0.00001; gnomAD exomes 0.00001; gnomAD 0.00003; TOPMed 0.00008.
gnomAD v4.1: 14 of 1,613,926 alleles (0.00087%); highest among the groups gnomAD compares: African/African-American, 0.017%; no homozygotes.

Submissions (2):

Ambry Genetics
Classification: Uncertain significance for Cardiovascular phenotype. Last evaluated: 2024-11-01. Review status: criteria provided, single submitter. Criteria: Ambry Variant Classification Scheme 2023. Collection method: clinical testing. Allele origin: germline.
Comment: The p.P1878T variant (also known as c.5632C>A), located in coding exon 40 of the ABCA1 gene, results from a C to A substitution at nucleotide position 5632. The proline at codon 1878 is replaced by threonine, an amino acid with highly similar properties. This amino acid position is well conserved in available vertebrate species. In addition, the in silico prediction for this alteration is inconclusive. Based on the available evidence, the clinical significance of this variant remains unclear.

Labcorp Genetics (formerly Invitae), Labcorp
Classification: Benign. Last evaluated: 2023-11-03. Review status: criteria provided, single submitter. Criteria: Invitae Variant Classification Sherloc (09022015). Collection method: clinical testing. Allele origin: germline.